The following is an entry in ClinVar:

NM_001378030.1(CCDC78):c.307C>T (p.Arg103Ter)

Gene: CCDC78 (coiled-coil domain containing 78; minus strand). Cytogenetic location: 16p13.3.
Variant type: single nucleotide variant.
Coding change: c.307C>T on transcript NM_001378030.1 (MANE Select); coding-DNA position 307, C replaced by T.
Protein change: p.Arg103Ter; replaces arginine 103 with a stop codon.
Molecular consequence: nonsense. On other transcripts: non-coding transcript variant (5), intron variant (1).
Genome position (GRCh38, 1-based): chr16:725,541, G>A on the plus strand (C>T on the coding strand, the complement: CCDC78 is on the minus strand). VCF-style: chr16-725541-G-A. GRCh37 (hg19) VCF-style: chr16-775541-G-A.
Other names: c.307C>T, p.Arg103Ter (NM_001031737.3, NM_001378031.1); c.-18-248C>T (NM_001378033.1); short protein forms R103*.
Identifiers: ClinVar variation 1493554 (VCV001493554.6), dbSNP rs776512977, ClinGen allele CA7789649.

ClinVar aggregate classification (germline): Uncertain significance (1 of 4 stars; one submission).

Conditions:
Congenital myopathy with internal nuclei and atypical cores. Also called: Myopathy, centronuclear, 4. Identifiers: Orphanet 319160, MedGen C4707232, MONDO:0013890, OMIM 614807.

Allele frequency attached by ClinVar (database versions not stated): gnomAD 0.00001; gnomAD exomes 0.00002 and 0.00004; TOPMed 0.00002; ExAC 0.00003.

Submission:

Labcorp Genetics (formerly Invitae), Labcorp
Classification: Uncertain significance for Congenital myopathy with internal nuclei and atypical cores. Last evaluated: 2022-07-22. Review status: criteria provided, single submitter. Criteria: Invitae Variant Classification Sherloc (09022015). Collection method: clinical testing. Allele origin: germline.
Comment: This sequence change creates a premature translational stop signal (p.Arg103*) in the CCDC78 gene. It is expected to result in an absent or disrupted protein product. However, the current clinical and genetic evidence is not sufficient to establish whether loss-of-function variants in CCDC78 cause disease. In summary, the available evidence is currently insufficient to determine the role of this variant in disease. Therefore, it has been classified as a Variant of Uncertain Significance. Algorithms developed to predict the effect of sequence changes on RNA splicing suggest that this variant may create or strengthen a splice site. ClinVar contains an entry for this variant (Variation ID: 1493554). This variant has not been reported in the literature in individuals affected with CCDC78-related conditions. This variant is present in population databases (rs776512977, gnomAD 0.03%).